The following is an entry in ClinVar:

NM_015046.7(SETX):c.2245G>A (p.Asp749Asn)

Gene: SETX (senataxin; minus strand). Cytogenetic location: 9q34.13.
Variant type: single nucleotide variant.
Coding change: c.2245G>A on transcript NM_015046.7 (MANE Select); coding-DNA position 2245, G replaced by A.
Protein change: p.Asp749Asn; replaces aspartic acid 749 with asparagine.
Molecular consequence: missense variant.
Genome position (GRCh38, 1-based): chr9:132,329,353, C>T on the plus strand (G>A on the coding strand, the complement: SETX is on the minus strand). VCF-style: chr9-132329353-C-T. GRCh37 (hg19) VCF-style: chr9-135204740-C-T.
Other names: c.2245G>A, p.Asp749Asn (NM_001351527.2, NM_001351528.2); short protein forms D749N.
Identifiers: ClinVar variation 1506949 (VCV001506949.9), dbSNP rs922821119, ClinGen allele CA200812985.

ClinVar aggregate classification (germline): Conflicting classifications of pathogenicity. Review status: criteria provided, conflicting classifications (1 of 4 stars). 5 submissions from 4 submitters: Uncertain significance (4); Likely benign (1). Last evaluated 2024-08-13.

Conditions:
Amyotrophic lateral sclerosis type 4 (ALS4). Also called: NEURONOPATHY, DISTAL HEREDITARY MOTOR, WITH PYRAMIDAL FEATURES; AMYOTROPHIC LATERAL SCLEROSIS 4, JUVENILE. Identifiers: Orphanet 357043, MedGen C1865409, MONDO:0011223, OMIM 602433.
Spinocerebellar ataxia, autosomal recessive, with axonal neuropathy 2 (SCAN2). Also called: Ataxia-ocular apraxia-2; Ataxia with Oculomotor Apraxia Type 2; Ataxia with Oculomotor Apraxia; ATAXIA-OCULOMOTOR APRAXIA 2. Identifiers: Orphanet 64753, MedGen C1853761, MONDO:0018996, OMIM 606002.
Inborn genetic diseases. Identifiers: MedGen C0950123, MeSH D030342.

Allele frequency attached by ClinVar (database versions not stated): gnomAD 0.00001; gnomAD exomes 0.00001; TOPMed 0.00001.
gnomAD v4.1: 20 of 1,613,894 alleles (0.0012%); highest among the groups gnomAD compares: Non-Finnish European, 0.0016%; no homozygotes.

Submissions (5):

Labcorp Genetics (formerly Invitae), Labcorp
Classification: Likely benign for Amyotrophic lateral sclerosis type 4; Spinocerebellar ataxia, autosomal recessive, with axonal neuropathy 2. Last evaluated: 2024-08-13. Review status: criteria provided, single submitter. Criteria: Invitae Variant Classification Sherloc (09022015). Collection method: clinical testing. Allele origin: germline.

Genome-Nilou Lab
Classification: Uncertain significance for Spinocerebellar ataxia, autosomal recessive, with axonal neuropathy 2. Last evaluated: 2023-02-08. Review status: criteria provided, single submitter. Criteria: ACMG Guidelines, 2015. Collection method: clinical testing. Allele origin: germline.

Genome-Nilou Lab
Classification: Uncertain significance for Amyotrophic lateral sclerosis type 4. Last evaluated: 2023-02-08. Review status: criteria provided, single submitter. Criteria: ACMG Guidelines, 2015. Collection method: clinical testing. Allele origin: germline.

Athena Diagnostics
Classification: Uncertain significance. Last evaluated: 2022-12-28. Review status: criteria provided, single submitter. Criteria: Athena Diagnostics Criteria. Collection method: clinical testing. Allele origin: unknown.
Comment: Available data are insufficient to determine the clinical significance of the variant at this time. The frequency of this variant in the general population is uninformative in assessment of its pathogenicity. Computational tools disagree on the variant's effect on normal protein function.

Ambry Genetics
Classification: Uncertain significance for Inborn genetic diseases. Last evaluated: 2021-01-11. Review status: criteria provided, single submitter. Criteria: Ambry Variant Classification Scheme 2023. Collection method: clinical testing. Allele origin: germline.
Comment: The p.D749N variant (also known as c.2245G>A), located in coding exon 8 of the SETX gene, results from a G to A substitution at nucleotide position 2245. The aspartic acid at codon 749 is replaced by asparagine, an amino acid with highly similar properties. This amino acid position is not well conserved in available vertebrate species. In addition, this alteration is predicted to be tolerated by in silico analysis. Since supporting evidence is limited at this time, the clinical significance of this alteration remains unclear.